The following is an entry in ClinVar:

NM_005732.4(RAD50):c.3152T>C (p.Leu1051Ser)

Gene: RAD50 (RAD50 double strand break repair protein; plus strand). Cytogenetic location: 5q31.1.
Variant type: single nucleotide variant.
Coding change: c.3152T>C on transcript NM_005732.4 (MANE Select); coding-DNA position 3152, T replaced by C.
Protein change: p.Leu1051Ser; replaces leucine 1051 with serine.
Molecular consequence: missense variant.
Genome position (GRCh38, 1-based): chr5:132,616,118, T>C. VCF-style: chr5-132616118-T-C. GRCh37 (hg19) VCF-style: chr5-131951810-T-C.
Other names: short protein forms L1051S.
Identifiers: ClinVar variation 1009871 (VCV001009871.11), dbSNP rs1751171141, ClinGen allele CA360963913.

ClinVar aggregate classification (germline): Uncertain significance. Review status: criteria provided, multiple submitters, no conflicts (2 of 4 stars). 2 submissions from 2 submitters: Uncertain significance (2). Last evaluated 2024-05-20.

Conditions:
Hereditary cancer-predisposing syndrome. Also called: Tumor predisposition; Hereditary neoplastic syndrome; Neoplastic Syndromes, Hereditary; Hereditary Cancer Syndrome. Identifiers: Orphanet 140162, MedGen C0027672, MeSH D009386, MONDO:0015356.

Allele frequency attached by ClinVar (database versions not stated): TOPMed below 0.00001; gnomAD 0.00001.
gnomAD v4.1: 1 of 1,612,880 alleles (0.000062%); highest among the groups gnomAD compares: African/African-American, 0.0013%; no homozygotes.

Submissions (2):

Labcorp Genetics (formerly Invitae), Labcorp
Classification: Uncertain significance for Hereditary cancer-predisposing syndrome. Last evaluated: 2024-05-20. Review status: criteria provided, single submitter. Criteria: Invitae Variant Classification Sherloc (09022015). Collection method: clinical testing. Allele origin: germline.
Comment: This sequence change replaces leucine, which is neutral and non-polar, with serine, which is neutral and polar, at codon 1051 of the RAD50 protein (p.Leu1051Ser). This variant is not present in population databases (gnomAD no frequency). This variant has not been reported in the literature in individuals affected with RAD50-related conditions. ClinVar contains an entry for this variant (Variation ID: 1009871). Advanced modeling of protein sequence and biophysical properties (such as structural, functional, and spatial information, amino acid conservation, physicochemical variation, residue mobility, and thermodynamic stability) performed at Invitae indicates that this missense variant is not expected to disrupt RAD50 protein function with a negative predictive value of 80%. In summary, the available evidence is currently insufficient to determine the role of this variant in disease. Therefore, it has been classified as a Variant of Uncertain Significance.

Ambry Genetics
Classification: Uncertain significance for Hereditary cancer-predisposing syndrome. Last evaluated: 2018-10-18. Review status: criteria provided, single submitter. Criteria: Ambry Variant Classification Scheme 2023. Collection method: clinical testing. Allele origin: germline.
Comment: The p.L1051S variant (also known as c.3152T>C), located in coding exon 20 of the RAD50 gene, results from a T to C substitution at nucleotide position 3152. The leucine at codon 1051 is replaced by serine, an amino acid with dissimilar properties. This amino acid position is well conserved in available vertebrate species. In addition, this alteration is predicted to be tolerated by in silico analysis. Since supporting evidence is limited at this time, the clinical significance of this alteration remains unclear.